The following is an entry in ClinVar:

ClinVar aggregate classification (germline): Uncertain significance (1 of 4 stars; one submission).

Allele frequency attached by ClinVar (database versions not stated): gnomAD exomes below 0.00001; ExAC 0.00001.
gnomAD v4.1: 2 of 1,613,862 alleles (0.00012%); highest among the groups gnomAD compares: East Asian, 0.0045%; no homozygotes.

Submission:

Labcorp Genetics (formerly Invitae), Labcorp
Classification: Uncertain significance. Last evaluated: 2024-08-05. Review status: criteria provided, single submitter. Criteria: Invitae Variant Classification Sherloc (09022015). Collection method: clinical testing. Allele origin: germline.
Comment: This sequence change replaces glutamine, which is neutral and polar, with arginine, which is basic and polar, at codon 1282 of the NBAS protein (p.Gln1282Arg). This variant is present in population databases (rs759475595, gnomAD 0.006%). This variant has not been reported in the literature in individuals affected with NBAS-related conditions. ClinVar contains an entry for this variant (Variation ID: 1935941). Advanced modeling of protein sequence and biophysical properties (such as structural, functional, and spatial information, amino acid conservation, physicochemical variation, residue mobility, and thermodynamic stability) performed at Invitae indicates that this missense variant is not expected to disrupt NBAS protein function with a negative predictive value of 95%. In summary, the available evidence is currently insufficient to determine the role of this variant in disease. Therefore, it has been classified as a Variant of Uncertain Significance.

NM_015909.4(NBAS):c.3845A>G (p.Gln1282Arg)

Gene: NBAS (NBAS subunit of NRZ tethering complex; minus strand). Cytogenetic location: 2p24.3.
Variant type: single nucleotide variant.
Coding change: c.3845A>G on transcript NM_015909.4 (MANE Select); coding-DNA position 3845, A replaced by G.
Protein change: p.Gln1282Arg; replaces glutamine 1282 with arginine.
Molecular consequence: missense variant. On other transcripts: non-coding transcript variant (1).
Genome position (GRCh38, 1-based): chr2:15,356,389, T>C on the plus strand (A>G on the coding strand, the complement: NBAS is on the minus strand). VCF-style: chr2-15356389-T-C. GRCh37 (hg19) VCF-style: chr2-15496513-T-C.
Other names: short protein forms Q1282R.
Identifiers: ClinVar variation 1935941 (VCV001935941.4), dbSNP rs759475595, ClinGen allele CA1535882.
Genomic context (GRCh38, chr2:15,356,389, plus strand): 5'-ATACTGGCTGCTTTGTAGTCATGGAAGCGAAGTGCCTGCTCCACTAAAAGGATTAGAACC[T>C]GTCCCCGCCTTTCTTCTGGGTTCTCACCTGTAAGTCCAAGCAAAGGACTTAATGATTATG-3'
Protein context (NP_056993.2, residues 1272-1292): AGENPEERRG[Gln1282Arg]VLILLVEQAL